The following is an entry in ClinVar:

ClinVar aggregate classification (germline): Pathogenic. Review status: criteria provided, multiple submitters, no conflicts (2 of 4 stars). 5 submissions from 5 submitters: Pathogenic (5). Last evaluated 2023-10-07.

Conditions:
Pyridoxine-dependent epilepsy (EPEO4). Also called: Pyridoxine-Dependent Epilepsy - ALDH7A1; EPILEPSY, EARLY-ONSET, 4, VITAMIN B6-DEPENDENT; PYRIDOXINE DEPENDENCY WITH SEIZURES; Pyridoxine-Dependent Seizures. Identifiers: Orphanet 3006, MedGen C1849508, MONDO:0009945, OMIM 266100. Disease mechanism: loss of function.
Inborn genetic diseases. Identifiers: MedGen C0950123, MeSH D030342.

Submissions (5):

Labcorp Genetics (formerly Invitae), Labcorp
Classification: Pathogenic for Pyridoxine-dependent epilepsy. Last evaluated: 2023-10-07. Review status: criteria provided, single submitter. Criteria: Invitae Variant Classification Sherloc (09022015). Collection method: clinical testing. Allele origin: germline.
Comment: This sequence change creates a premature translational stop signal (p.Ser317Ilefs*24) in the ALDH7A1 gene. While this is not anticipated to result in nonsense mediated decay, it is expected to disrupt the last 223 amino acid(s) of the ALDH7A1 protein. This variant is present in population databases (rs778003597, gnomAD 0.006%). This variant has not been reported in the literature in individuals affected with ALDH7A1-related conditions. ClinVar contains an entry for this variant (Variation ID: 590098). This variant disrupts a region of the ALDH7A1 protein in which other variant(s) (p.Tyr526*) have been determined to be pathogenic (PMID: 30043187; Invitae). This suggests that this is a clinically significant region of the protein, and that variants that disrupt it are likely to be disease-causing. For these reasons, this variant has been classified as Pathogenic.

Genome-Nilou Lab
Classification: Pathogenic for Pyridoxine-dependent epilepsy. Last evaluated: 2023-04-11. Review status: criteria provided, single submitter. Criteria: ACMG Guidelines, 2015. Collection method: clinical testing. Allele origin: germline. Affected: no.

Eurofins Ntd Llc (ga)
Classification: Pathogenic. Last evaluated: 2017-11-09. Review status: criteria provided, single submitter. Criteria: EGL Classification Definitions 2015. Collection method: clinical testing. Allele origin: germline.

Ambry Genetics
Classification: Pathogenic for Inborn genetic diseases. Last evaluated: 2017-03-08. Review status: criteria provided, single submitter. Criteria: Ambry Variant Classification Scheme 2023. Collection method: clinical testing. Allele origin: germline.
Comment: The c.947dupC pathogenic mutation, located in coding exon 11 of the ALDH7A1 gene, results from a duplication of C at nucleotide position 947, causing a translational frameshift with a predicted alternate stop codon (p.S317Ifs*24). This alteration is expected to result in loss of function by premature protein truncation or nonsense-mediated mRNA decay. As such, this alteration is interpreted as a disease-causing mutation.

Lifecell International Pvt. Ltd
Classification: Pathogenic for Pyridoxine-dependent epilepsy. Review status: criteria provided, single submitter. Criteria: ACMG Guidelines, 2015. Collection method: clinical testing. Allele origin: germline. Inheritance: Autosomal recessive inheritance. Affected: yes. Observed: 1 compound heterozygote.
Comment: A Heterozygous Frameshift variant c.947dupC in Exon 11 of the ALDH7A1 gene that results in the amino acid substitution p.Ser317fs*24 was identified. The observed variant has a maximum allele frequency of 0.00001/0% in gnomAD exomes and genomes, respectively. The severity of the impact of this variant on the protein is high, based on the effect of the protein and REVEL score . Rare Exome Variant Ensemble Learner (REVEL) is an ensembl method for predicting the pathogenicity of missense variants based on a combination of scores from 13 individual tools: MutPred, FATHMM v2.3, VEST 3.0, PolyPhen-2, SIFT, PROVEAN, MutationAssessor, MutationTaster, LRT, GERP++, SiPhy, phyloP, and phastCons. The REVEL score for an individual missense variant can range from 0 to 1, with higher scores reflecting greater likelihood that the variant is disease-causing. ClinVar has also classified this variant as Pathogenic (Variant ID: 590098). Based on the above evidence this variant has been classified as Pathogenic according to the ACMG guidelines.

Literature cited by the submitters: PubMed 30043187 (cited by Labcorp Genetics (formerly Invitae), Labcorp).

NM_001182.5(ALDH7A1):c.947dup (p.Ser317fs)

Gene: ALDH7A1 (aldehyde dehydrogenase 7 family member A1; minus strand). Cytogenetic location: 5q23.2.
Variant type: Duplication.
Coding change: c.947dup on transcript NM_001182.5 (MANE Select); coding-DNA position 947, one base duplicated (C; older notation c.947dupC).
Protein change: p.Ser317fs; shifts the reading frame from serine 317.
Molecular consequence: frameshift variant.
Genome position (GRCh38, 1-based): chr5:126,559,301, G duplicated on the plus strand (C on the coding strand, the reverse complement: ALDH7A1 is on the minus strand); the first of 2 consecutive G bases (chr5:126,559,301-126,559,302); duplicating either gives the same sequence. VCF-style (leftmost placement, unchanged base first): chr5-126559300-T-TG. GRCh37 (hg19) VCF-style: chr5-125894992-T-TG.
Other names: c.863dup, p.Ser289fs (NM_001201377.2); c.947dup, p.Ser317fs (NM_001202404.2); c.947dupC (NM_001182.5, NM_001182.4); short protein forms S317fs, S289fs.
Identifiers: ClinVar variation 590098 (VCV000590098.13), dbSNP rs778003597, ClinGen allele CA3389578.